The following is an entry in ClinVar:

ClinVar aggregate classification (germline): Uncertain significance (1 of 4 stars; one submission).

Conditions:
RRAS2-related disorder. Also called: RRAS2-related condition.

gnomAD v4.1: 16 of 1,599,112 alleles (0.001%); highest among the groups gnomAD compares: South Asian, 0.0023%; no homozygotes.

Submission:

PreventionGenetics, part of Exact Sciences
Classification: Uncertain significance for RRAS2-related condition. Last evaluated: 2023-06-13. Review status: criteria provided, single submitter. Criteria: ACMG Guidelines, 2015. Collection method: clinical testing. Allele origin: germline.
Comment: The RRAS2 c.349C>G variant is predicted to result in the amino acid substitution p.Arg117Gly. To our knowledge, this variant has not been reported in the literature. This variant is reported in 0.010% of alleles in individuals of Ashkenazi Jewish descent in gnomAD. At this time, the clinical significance of this variant is uncertain due to the absence of conclusive functional and genetic evidence.

NM_012250.6(RRAS2):c.349C>G (p.Arg117Gly)

Gene: RRAS2 (RAS related 2; minus strand). Cytogenetic location: 11p15.2.
Variant type: single nucleotide variant.
Coding change: c.349C>G on transcript NM_012250.6 (MANE Select); coding-DNA position 349, C replaced by G.
Protein change: p.Arg117Gly; replaces arginine 117 with glycine.
Molecular consequence: missense variant.
Genome position (GRCh38, 1-based): chr11:14,294,530, G>C on the plus strand (C>G on the coding strand, the complement: RRAS2 is on the minus strand). VCF-style: chr11-14294530-G-C. GRCh37 (hg19) VCF-style: chr11-14316076-G-C.
Other names: c.118C>G, p.Arg40Gly (NM_001102669.3, NM_001177315.2); c.244C>G, p.Arg82Gly (NM_001177314.2); short protein forms R117G, R40G, R82G.
Identifiers: ClinVar variation 2632638 (VCV002632638.1), dbSNP rs782490571, ClinGen allele CA5894297.